The following is an entry in ClinVar:

ClinVar aggregate classification (germline): Uncertain significance. Review status: criteria provided, multiple submitters, no conflicts (2 of 4 stars). 2 submissions from 2 submitters: Uncertain significance (2). Last evaluated 2025-07-21.

Allele frequency attached by ClinVar (database versions not stated): gnomAD exomes below 0.00001; ExAC 0.00001; gnomAD 0.00001; TOPMed 0.00002.
gnomAD v4.1: 5 of 1,613,752 alleles (0.00031%); highest among the groups gnomAD compares: Admixed American, 0.0033%; no homozygotes.

Submissions (2):

Labcorp Genetics (formerly Invitae), Labcorp
Classification: Uncertain significance. Last evaluated: 2025-07-21. Review status: criteria provided, single submitter. Criteria: Invitae Variant Classification Sherloc (09022015). Collection method: clinical testing. Allele origin: germline.
Comment: This sequence change replaces leucine, which is neutral and non-polar, with phenylalanine, which is neutral and non-polar, at codon 698 of the CTNNB1 protein (p.Leu698Phe). This variant is present in population databases (rs769381974, gnomAD 0.003%). This variant has not been reported in the literature in individuals affected with CTNNB1-related conditions. ClinVar contains an entry for this variant (Variation ID: 1973393). Invitae Evidence Modeling of protein sequence and biophysical properties (such as structural, functional, and spatial information, amino acid conservation, physicochemical variation, residue mobility, and thermodynamic stability) indicates that this missense variant is not expected to disrupt CTNNB1 protein function with a negative predictive value of 80%. In summary, the available evidence is currently insufficient to determine the role of this variant in disease. Therefore, it has been classified as a Variant of Uncertain Significance.

Blueprint Genetics
Classification: Uncertain significance. Last evaluated: 2021-03-29. Review status: criteria provided, single submitter. Criteria: ACMG Guidelines, 2015. Collection method: clinical testing. Allele origin: germline.

NM_001904.4(CTNNB1):c.2092C>T (p.Leu698Phe)

Gene: CTNNB1 (catenin beta 1; plus strand). Cytogenetic location: 3p22.1.
Variant type: single nucleotide variant.
Coding change: c.2092C>T on transcript NM_001904.4 (MANE Select); coding-DNA position 2092, C replaced by T.
Protein change: p.Leu698Phe; replaces leucine 698 with phenylalanine.
Molecular consequence: missense variant.
Genome position (GRCh38, 1-based): chr3:41,238,031, C>T. VCF-style: chr3-41238031-C-T. GRCh37 (hg19) VCF-style: chr3-41279522-C-T.
Other names: c.2092C>T, p.Leu698Phe (NM_001098209.2, NM_001098210.2); c.2071C>T, p.Leu691Phe (NM_001330729.2); short protein forms L691F, L698F.
Identifiers: ClinVar variation 1973393 (VCV001973393.6), dbSNP rs769381974, ClinGen allele CA2331268.